The following is an entry in ClinVar:

ClinVar aggregate classification (germline): Likely pathogenic (1 of 4 stars; one submission).

Conditions:
Congenital afibrinogenemia. Identifiers: Orphanet 335, Orphanet 98880, MedGen C2584774, MONDO:0008737, OMIM 202400.
Familial dysfibrinogenemia. Also called: Dysfibrinogenemia, congenital. Identifiers: Orphanet 335, Orphanet 98881, MedGen C0272350, MONDO:0014452, OMIM 616004.

Submission:

Juno Genomics, Hangzhou Juno Genomics, Inc
Classification: Likely pathogenic for Congenital afibrinogenemia; Familial dysfibrinogenemia. Review status: criteria provided, single submitter. Criteria: ACMG Guidelines, 2015. Collection method: clinical testing. Allele origin: germline.
Comment: Null variant in a gene where loss of function (LOF) is a known mechanism of disease.;Absent from controls (or at extremely low frequency if recessive) in Genome Aggregation Database.

NM_005141.5(FGB):c.625del (p.Ile209fs)

Gene: FGB (fibrinogen beta chain; plus strand). Cytogenetic location: 4q31.3.
Variant type: Deletion.
Coding change: c.625del on transcript NM_005141.5 (MANE Select); coding-DNA position 625, one base deleted (A; older notation c.625delA).
Protein change: p.Ile209fs; shifts the reading frame from isoleucine 209.
Molecular consequence: frameshift variant.
Genome position (GRCh38, 1-based): chr4:154,567,727, A deleted; the last of 4 consecutive A bases (chr4:154,567,724-154,567,727); deleting any one gives the same sequence. VCF-style (leftmost placement, unchanged base first): chr4-154567723-CA-C. GRCh37 (hg19) VCF-style: chr4-155488875-CA-C.
Other names: c.448del, p.Ile150fs (NM_001184741.1); c.493del, p.Ile165fs (NM_001382759.1); c.625del, p.Ile209fs (NM_001382760.1, NM_001382761.1, NM_001382762.1 and 3 more transcripts); short protein forms I209fs, I150fs, I165fs.
Identifiers: ClinVar variation 5006737 (VCV005006737.2).